The following is an entry in ClinVar:

ClinVar aggregate classification (germline): Uncertain significance (1 of 4 stars; one submission).

Conditions:
Inborn genetic diseases. Identifiers: MedGen C0950123, MeSH D030342.

Submission:

Ambry Genetics
Classification: Uncertain significance for Inborn genetic diseases. Last evaluated: 2017-06-29. Review status: criteria provided, single submitter. Criteria: Ambry Variant Classification Scheme 2023. Collection method: clinical testing. Allele origin: germline.
Comment: The p.R185G variant (also known as c.553C>G), located in coding exon 6 of the TPP1 gene, results from a C to G substitution at nucleotide position 553. The arginine at codon 185 is replaced by glycine, an amino acid with dissimilar properties. This amino acid position is not well conserved in available vertebrate species. In addition, this alteration is predicted to be tolerated by in silico analysis. Since supporting evidence is limited at this time, the clinical significance of this alteration remains unclear.

NM_000391.4(TPP1):c.553C>G (p.Arg185Gly)

Gene: TPP1 (tripeptidyl peptidase 1; minus strand). Cytogenetic location: 11p15.4.
Variant type: single nucleotide variant.
Coding change: c.553C>G on transcript NM_000391.4 (MANE Select); coding-DNA position 553, C replaced by G.
Protein change: p.Arg185Gly; replaces arginine 185 with glycine.
Molecular consequence: missense variant.
Genome position (GRCh38, 1-based): chr11:6,617,109, G>C on the plus strand (C>G on the coding strand, the complement: TPP1 is on the minus strand). VCF-style: chr11-6617109-G-C. GRCh37 (hg19) VCF-style: chr11-6638340-G-C.
Other names: short protein forms R185G.
Identifiers: ClinVar variation 1748185 (VCV001748185.2), dbSNP rs34758634, ClinGen allele CA379475577.
Genomic context (GRCh38, chr11:6,617,109, plus strand): 5'-TCACAGAGGGGGTTACCCCCAGATGCAGGCCTACAGTCCCTGTCACCTGCGGCTCAGGAC[G>C]TTGCCTCAGGGATGATGTTGGGGGAAAACGGTGCAGTCCCCCCACTGTAGGGAGAAGTCA-3'
Protein context (NP_000382.3, residues 175-195): RFPPTSSLRQ[Arg185Gly]PEPQVTGTVG